The following is an entry in ClinVar:

ClinVar aggregate classification (germline): Uncertain significance. Review status: criteria provided, multiple submitters, no conflicts (2 of 4 stars). 4 submissions from 4 submitters: Uncertain significance (4). Last evaluated 2025-06-24.

Conditions:
Cardiovascular phenotype. Identifiers: MedGen CN230736.
Hereditary cancer-predisposing syndrome. Also called: Hereditary neoplastic syndrome; Tumor predisposition; Neoplastic Syndromes, Hereditary; Hereditary Cancer Syndrome. Identifiers: Orphanet 140162, MedGen C0027672, MeSH D009386, MONDO:0015356.
Juvenile myelomonocytic leukemia (JMML). Also called: LEUKEMIA, JUVENILE MYELOMONOCYTIC, SOMATIC. Identifiers: Orphanet 86834, MedGen C0349639, MONDO:0011908, OMIM 607785, HP:0012209.
Neurofibromatosis, type 1 (NF1). Also called: Peripheral type neurofibromatosis; VON RECKLINGHAUSEN DISEASE; NEUROFIBROMATOSIS, TYPE I, SOMATIC; Neurofibromatosis, type I. Identifiers: Orphanet 636, MedGen C0027831, MONDO:0018975, OMIM 162200. Disease mechanism: loss of function.

Submissions (4):

Revvity Omics, Revvity
Classification: Uncertain significance. Last evaluated: 2025-06-24. Review status: criteria provided, single submitter. Criteria: ACMG Guidelines, 2015. Collection method: clinical testing. Allele origin: germline.

Baylor Genetics
Classification: Uncertain significance for Juvenile myelomonocytic leukemia. Last evaluated: 2024-01-15. Review status: criteria provided, single submitter. Criteria: ACMG Guidelines, 2015. Collection method: clinical testing. Allele origin: unknown.

Labcorp Genetics (formerly Invitae), Labcorp
Classification: Uncertain significance for Neurofibromatosis, type 1. Last evaluated: 2022-07-21. Review status: criteria provided, single submitter. Criteria: Invitae Variant Classification Sherloc (09022015). Collection method: clinical testing. Allele origin: germline.
Comment: Advanced modeling of protein sequence and biophysical properties (such as structural, functional, and spatial information, amino acid conservation, physicochemical variation, residue mobility, and thermodynamic stability) performed at Invitae indicates that this missense variant is not expected to disrupt NF1 protein function. In summary, the available evidence is currently insufficient to determine the role of this variant in disease. Therefore, it has been classified as a Variant of Uncertain Significance. This variant has not been reported in the literature in individuals affected with NF1-related conditions. This variant is not present in population databases (gnomAD no frequency). This sequence change replaces lysine, which is basic and polar, with arginine, which is basic and polar, at codon 40 of the NF1 protein (p.Lys40Arg).

Ambry Genetics
Classification: Uncertain significance for Cardiovascular phenotype; Hereditary cancer-predisposing syndrome. Last evaluated: 2022-03-08. Review status: criteria provided, single submitter. Criteria: Ambry Variant Classification Scheme 2023. Collection method: clinical testing. Allele origin: germline.
Comment: The p.K40R variant (also known as c.119A>G), located in coding exon 2 of the NF1 gene, results from an A to G substitution at nucleotide position 119. The lysine at codon 40 is replaced by arginine, an amino acid with highly similar properties. This amino acid position is highly conserved in available vertebrate species. In addition, this alteration is predicted to be tolerated by in silico analysis. Since supporting evidence is limited at this time, the clinical significance of this alteration remains unclear.

NM_001042492.3(NF1):c.119A>G (p.Lys40Arg)

Gene: NF1 (neurofibromin 1; plus strand). Cytogenetic location: 17q11.2.
Variant type: single nucleotide variant.
Coding change: c.119A>G on transcript NM_001042492.3 (MANE Select); coding-DNA position 119, A replaced by G.
Protein change: p.Lys40Arg; replaces lysine 40 with arginine.
Molecular consequence: missense variant.
Genome position (GRCh38, 1-based): chr17:31,156,041, A>G. VCF-style: chr17-31156041-A-G. GRCh37 (hg19) VCF-style: chr17-29483059-A-G.
Other names: c.119A>G, p.Lys40Arg (NM_000267.4, NM_001128147.3); short protein forms K40R.
Identifiers: ClinVar variation 1713619 (VCV001713619.10), dbSNP rs2544681191, ClinGen allele CA398988356.